The following is an entry in ClinVar:

ClinVar aggregate classification (germline): Likely benign (1 of 4 stars; one submission).

Conditions:
NCKAP1-related disorder. Also called: NCKAP1-related condition.

gnomAD v4.1: 8 of 1,595,386 alleles (0.0005%); highest among the groups gnomAD compares: Admixed American, 0.0036%; no homozygotes.

Submission:

PreventionGenetics, part of Exact Sciences
Classification: Likely benign for NCKAP1-related condition. Last evaluated: 2025-03-29. Review status: criteria provided, single submitter. Criteria: ACMG Guidelines, 2015. Collection method: clinical testing. Allele origin: germline.
Comment: This variant is classified as likely benign based on ACMG/AMP sequence variant interpretation guidelines (Richards et al. 2015 PMID: 25741868, with internal and published modifications).

NM_013436.5(NCKAP1):c.2022-6T>G

Gene: NCKAP1 (NCK associated protein 1; minus strand). Cytogenetic location: 2q32.1.
Variant type: single nucleotide variant.
Coding change: c.2022-6T>G on transcript NM_013436.5 (MANE Select); 6 bases into the intron before coding-DNA position 2022, T replaced by G.
Molecular consequence: intron variant.
Genome position (GRCh38, 1-based): chr2:182,956,599, A>C on the plus strand (T>G on the coding strand, the complement: NCKAP1 is on the minus strand). VCF-style: chr2-182956599-A-C. GRCh37 (hg19) VCF-style: chr2-183821327-A-C.
Other names: c.2016-6T>G (NM_001437266.1); c.2034-6T>G (NM_001437267.1); c.2040-6T>G (NM_205842.3).
Identifiers: ClinVar variation 4987666 (VCV004987666.1).